The following is an entry in ClinVar:

ClinVar aggregate classification (germline): Likely benign (0 of 4 stars; one submission).

Conditions:
JAG2-related disorder. Also called: JAG2-related condition.

Allele frequency attached by ClinVar (database versions not stated): gnomAD 0.00007; TOPMed 0.00009.
gnomAD v4.1: 59 of 1,608,808 alleles (0.0037%); highest among the groups gnomAD compares: Admixed American, 0.09%; no homozygotes.

Submission:

PreventionGenetics, part of Exact Sciences
Classification: Likely benign for JAG2-related condition. Last evaluated: 2023-06-02. Review status: no assertion criteria provided. Collection method: clinical testing. Allele origin: germline.
Comment: This variant is classified as likely benign based on ACMG/AMP sequence variant interpretation guidelines (Richards et al. 2015 PMID: 25741868, with internal and published modifications).

NM_002226.5(JAG2):c.3468G>A (p.Pro1156=)

Gene: JAG2 (jagged canonical Notch ligand 2; minus strand). Cytogenetic location: 14q32.33.
Variant type: single nucleotide variant.
Coding change: c.3468G>A on transcript NM_002226.5 (MANE Select); coding-DNA position 3468, G replaced by A.
Protein change: p.Pro1156=; no amino-acid change (proline 1156 retained).
Molecular consequence: synonymous variant.
Genome position (GRCh38, 1-based): chr14:105,142,944, C>T on the plus strand (G>A on the coding strand, the complement: JAG2 is on the minus strand). VCF-style: chr14-105142944-C-T. GRCh37 (hg19) VCF-style: chr14-105609281-C-T.
Other names: c.3354G>A, p.Pro1118= (NM_145159.3).
Identifiers: ClinVar variation 3057429 (VCV003057429.2), dbSNP rs373302058, ClinGen allele CA7385190.